The following is an entry in ClinVar:

NM_000290.4(PGAM2):c.61C>T (p.Arg21Cys)

Genes: DBNL (drebrin like; plus strand), PGAM2 (phosphoglycerate mutase 2; minus strand). Cytogenetic location: 7p13.
Variant type: single nucleotide variant.
Coding change: c.61C>T on transcript NM_000290.4 (MANE Select); coding-DNA position 61, C replaced by T.
Protein change: p.Arg21Cys; replaces arginine 21 with cysteine.
Molecular consequence: missense variant. On other transcripts: 3 prime UTR variant (6).
Genome position (GRCh38, 1-based): chr7:44,065,469, G>A on the plus strand (C>T on the coding strand, the complement: PGAM2 is on the minus strand). VCF-style: chr7-44065469-G-A. GRCh37 (hg19) VCF-style: chr7-44105068-G-A.
Other names: c.*4553G>A (NM_001014436.3, NM_001122956.2, NM_001284313.2 and 3 more transcripts); short protein forms R21C.
Identifiers: ClinVar variation 4874214 (VCV004874214.2).

ClinVar aggregate classification (germline): Uncertain significance (1 of 4 stars; one submission).

gnomAD v4.1: 21 of 1,614,106 alleles (0.0013%); highest among the groups gnomAD compares: African/African-American, 0.0067%; no homozygotes.

Submission:

CeGaT Center for Human Genetics Tuebingen
Classification: Uncertain significance. Last evaluated: 2026-06-01. Review status: criteria provided, single submitter. Criteria: CeGaT Center For Human Genetics Tuebingen Variant Classification Criteria Version 2. Collection method: clinical testing. Allele origin: germline. Affected: yes. Observed: 1 variant allele.
Comment: PGAM2: PM2, PP3